The following is an entry in ClinVar:

ClinVar aggregate classification (germline): Uncertain significance. Review status: criteria provided, multiple submitters, no conflicts (2 of 4 stars). 3 submissions from 3 submitters: Uncertain significance (3). Last evaluated 2025-07-14.

Conditions:
Congenital myopathy with internal nuclei and atypical cores. Also called: Myopathy, centronuclear, 4. Identifiers: Orphanet 319160, MedGen C4707232, MONDO:0013890, OMIM 614807.

Allele frequency attached by ClinVar (database versions not stated): gnomAD 0.00001 and 0.00002; TOPMed 0.00001; gnomAD exomes 0.00003; ExAC 0.00008; ESP Exome Variant Server 0.00008.

Submissions (3):

GeneDx
Classification: Uncertain significance. Last evaluated: 2025-07-14. Review status: criteria provided, single submitter. Criteria: GeneDx Variant Classification Process June 2021. Collection method: clinical testing. Allele origin: germline. Affected: yes.
Comment: Frameshift variant predicted to result in abnormal protein length as the last 68 amino acid(s) are replaced with 45 different amino acid(s); Has not been previously published as pathogenic or benign to our knowledge; Variants in candidate genes are classified as variants of uncertain significance in accordance with ACMG guidelines (PMID: 25741868)

Blueprint Genetics
Classification: Uncertain significance. Last evaluated: 2023-12-29. Review status: criteria provided, single submitter. Criteria: ACMG Guidelines, 2015. Collection method: clinical testing. Allele origin: germline.

Labcorp Genetics (formerly Invitae), Labcorp
Classification: Uncertain significance for Congenital myopathy with internal nuclei and atypical cores. Last evaluated: 2022-08-26. Review status: criteria provided, single submitter. Criteria: Invitae Variant Classification Sherloc (09022015). Collection method: clinical testing. Allele origin: germline.
Comment: This sequence change creates a premature translational stop signal (p.Gln371Argfs*46) in the CCDC78 gene. It is expected to result in an absent or disrupted protein product. However, the current clinical and genetic evidence is not sufficient to establish whether loss-of-function variants in CCDC78 cause disease. This variant is present in population databases (rs765483630, gnomAD 0.007%). This variant has not been reported in the literature in individuals affected with CCDC78-related conditions. ClinVar contains an entry for this variant (Variation ID: 420305). In summary, the available evidence is currently insufficient to determine the role of this variant in disease. Therefore, it has been classified as a Variant of Uncertain Significance.

NM_001378030.1(CCDC78):c.1112del (p.Gln371fs)

Gene: CCDC78 (coiled-coil domain containing 78; minus strand). Cytogenetic location: 16p13.3.
Variant type: Deletion.
Coding change: c.1112del on transcript NM_001378030.1 (MANE Select); coding-DNA position 1112, one base deleted (A; older notation c.1112delA).
Protein change: p.Gln371fs; shifts the reading frame from glutamine 371.
Molecular consequence: frameshift variant. On other transcripts: non-coding transcript variant (5), intron variant (1).
Genome position (GRCh38, 1-based): chr16:723,878, T deleted on the plus strand (A on the coding strand, the reverse complement: CCDC78 is on the minus strand). VCF-style (leftmost placement, unchanged base first): chr16-723877-CT-C. GRCh37 (hg19) VCF-style: chr16-773877-CT-C.
Other names: c.1112del, p.Gln371fs (NM_001031737.3); c.545del, p.Gln182fs (NM_001378033.1); c.953+444del (NM_001378031.1); c.1112del (NM_001031737.2); short protein forms Q371fs, Q182fs.
Identifiers: ClinVar variation 420305 (VCV000420305.11), dbSNP rs765483630, ClinGen allele CA7789250.